The following is an entry in ClinVar:

NM_015378.4(VPS13D):c.4243G>A (p.Asp1415Asn)

Gene: VPS13D (vacuolar protein sorting 13 homolog D; plus strand). Cytogenetic location: 1p36.22.
Variant type: single nucleotide variant.
Coding change: c.4243G>A on transcript NM_015378.4 (MANE Select); coding-DNA position 4243, G replaced by A.
Protein change: p.Asp1415Asn; replaces aspartic acid 1415 with asparagine.
Molecular consequence: missense variant.
Genome position (GRCh38, 1-based): chr1:12,277,831, G>A. VCF-style: chr1-12277831-G-A. GRCh37 (hg19) VCF-style: chr1-12337888-G-A.
Other names: p.Asp1415Asn; c.4243G>A, p.Asp1415Asn (NM_018156.4); c.4243G>A (NM_015378.3); short protein forms D1415N.
Identifiers: ClinVar variation 692324 (VCV000692324.38), dbSNP rs79282181, ClinGen allele CA602099.
Genomic context (GRCh38, chr1:12,277,831, plus strand): 5'-CCTGAGTTGTTGGTGGGACACTTGGGACAGATATTCATCCAGAATTTTGTGGCGGGAGAT[G>A]ATGAATCCAGAAGTGACCGTCTGCAGGTGGAAATCAAGGACATTAAACTGTATTCTTTGA-3'
Protein context (NP_056193.2, residues 1405-1425): IFIQNFVAGD[Asp1415Asn]ESRSDRLQVE

ClinVar aggregate classification (germline): Conflicting classifications of pathogenicity. Review status: criteria provided, conflicting classifications (1 of 4 stars). 6 submissions from 6 submitters: Uncertain significance (1); Benign (2); Likely benign (2). 1 of the submissions does not count toward it. Last evaluated 2026-02-01.

Conditions:
VPS13D-related disorder. Also called: VPS13D-related condition.
Arthrogryposis multiplex congenita (AMC). Also called: Congenital multiple arthrogryposis; Fibrous ankylosis of multiple joints; Congenital arthromyodysplasia; Myodystrophia fetalis deformans; Otto syndrome; Rocher-Sheldon syndrome. Identifiers: Orphanet 1037, MedGen C5779613, MeSH D001176, MONDO:0015168, HP:0002804.
Fetal akinesia deformation sequence 1 (FADS1). Also called: Pena-Shokeir syndrome type I; Fetal akinesia sequence. Identifiers: Orphanet 994, MedGen C1276035, MONDO:0100101, OMIM 208150, HP:0001989.

Allele frequency attached by ClinVar (database versions not stated): ESP Exome Variant Server 0.00054; gnomAD 0.00112 and 0.00128; TOPMed 0.00167; 1000 Genomes Project 30x 0.00234; 1000 Genomes Project 0.00260; ExAC 0.00272; gnomAD exomes 0.00280.
gnomAD v4.1: 1,635 of 1,613,972 alleles (0.1%); highest among the groups gnomAD compares: East Asian, 1.1%; 7 homozygotes.

Submissions (6):

Labcorp Genetics (formerly Invitae), Labcorp
Classification: Benign. Last evaluated: 2026-02-01. Review status: criteria provided, single submitter. Criteria: Invitae Variant Classification Sherloc (09022015). Collection method: clinical testing. Allele origin: germline.

CeGaT Center for Human Genetics Tuebingen
Classification: Likely benign. Last evaluated: 2025-03-01. Review status: criteria provided, single submitter. Criteria: CeGaT Center For Human Genetics Tuebingen Variant Classification Criteria Version 2. Collection method: clinical testing. Allele origin: germline. Affected: yes. Observed: 2 variant alleles.
Comment: VPS13D: BS1

Blueprint Genetics
Classification: Likely benign. Last evaluated: 2024-11-25. Review status: criteria provided, single submitter. Criteria: ACMG Guidelines, 2015. Collection method: clinical testing. Allele origin: germline.

Mayo Clinic Laboratories, Mayo Clinic
Classification: Benign. Last evaluated: 2023-12-13. Review status: criteria provided, single submitter. Criteria: ACMG Guidelines, 2015. Collection method: clinical testing. Allele origin: germline. Observed: 4 variant alleles.
Comment: BS1, BS2, BP4

Cirak Lab, University Hospital Cologne
Classification: Uncertain significance for Arthrogryposis multiplex congenita; Fetal akinesia sequence. Last evaluated: 2019-06-28. Review status: criteria provided, single submitter. Criteria: ACMG Guidelines, 2015. Collection method: research. Allele origin: maternal. Affected: yes. Observed: 1 variant allele.

PreventionGenetics, part of Exact Sciences
Classification: Benign for VPS13D-related condition. Last evaluated: 2019-06-12. Review status: no assertion criteria provided. Collection method: clinical testing. Allele origin: germline. Not counted in ClinVar's aggregate classification.
Comment: This variant is classified as benign based on ACMG/AMP sequence variant interpretation guidelines (Richards et al. 2015 PMID: 25741868, with internal and published modifications).

Literature cited by the submitters: PubMed 31680123 (cited by Cirak Lab, University Hospital Cologne).